The following is an entry in ClinVar:

NM_174934.4(SCN4B):c.193C>T (p.His65Tyr)

Gene: SCN4B (sodium voltage-gated channel beta subunit 4; minus strand). Cytogenetic location: 11q23.3.
Variant type: single nucleotide variant.
Coding change: c.193C>T on transcript NM_174934.4 (MANE Select); coding-DNA position 193, C replaced by T.
Protein change: p.His65Tyr; replaces histidine 65 with tyrosine.
Molecular consequence: missense variant. On other transcripts: 5 prime UTR variant (1), non-coding transcript variant (1), intron variant (1).
Genome position (GRCh38, 1-based): chr11:118,145,098, G>A on the plus strand (C>T on the coding strand, the complement: SCN4B is on the minus strand). VCF-style: chr11-118145098-G-A. GRCh37 (hg19) VCF-style: chr11-118015813-G-A.
Other names: c.-138C>T (NM_001142349.2); c.62-3762C>T (NM_001142348.2); short protein forms H65Y.
Identifiers: ClinVar variation 3628134 (VCV003628134.4).
Genomic context (GRCh38, chr11:118,145,098, plus strand): 5'-TCTTCCTCCAAATACTTACAATCTTGAATGCGTCACTGCTGTTGTAGGTCCACCGGAAGT[G>A]GAGGTCCTCGAAGCCAAAGCAGCTGGAGAAGGTGCAGGGCAGCAGGATCTCCGTGCCATT-3'
Protein context (NP_777594.1, residues 55-75): FSSCFGFEDL[His65Tyr]FRWTYNSSDA

ClinVar aggregate classification (germline): Uncertain significance. Review status: criteria provided, multiple submitters, no conflicts (2 of 4 stars). 3 submissions from 3 submitters: Uncertain significance (3). Last evaluated 2025-09-23.

Conditions:
Long QT syndrome 10 (LQT10). Identifiers: Orphanet 101016, Orphanet 768, MedGen C2678484, MONDO:0012737, OMIM 611819.
SCN4B-related disorder. Also called: SCN4B-related condition.
Cardiovascular phenotype. Identifiers: MedGen CN230736.

Submissions (3):

PreventionGenetics, part of Exact Sciences
Classification: Uncertain significance for SCN4B-related condition. Last evaluated: 2025-09-23. Review status: criteria provided, single submitter. Criteria: ACMG Guidelines, 2015. Collection method: clinical testing. Allele origin: germline.
Comment: The SCN4B c.193C>T variant is predicted to result in the amino acid substitution p.His65Tyr. To our knowledge, this variant has not been reported in the literature or in a large population database (gnomAD), indicating this variant is rare. At this time, the clinical significance of this variant is uncertain due to the absence of conclusive functional and genetic evidence.

Ambry Genetics
Classification: Uncertain significance for Cardiovascular phenotype. Last evaluated: 2025-06-07. Review status: criteria provided, single submitter. Criteria: Ambry Variant Classification Scheme 2023. Collection method: clinical testing. Allele origin: germline.
Comment: The p.H65Y variant (also known as c.193C>T), located in coding exon 2 of the SCN4B gene, results from a C to T substitution at nucleotide position 193. The histidine at codon 65 is replaced by tyrosine, an amino acid with similar properties. This amino acid position is conserved. In addition, this alteration is predicted to be tolerated by in silico analysis. Based on the available evidence, the clinical significance of this variant remains unclear.

Labcorp Genetics (formerly Invitae), Labcorp
Classification: Uncertain significance for Long QT syndrome 10. Last evaluated: 2024-10-29. Review status: criteria provided, single submitter. Criteria: Invitae Variant Classification Sherloc (09022015). Collection method: clinical testing. Allele origin: germline.
Comment: This sequence change replaces histidine, which is basic and polar, with tyrosine, which is neutral and polar, at codon 65 of the SCN4B protein (p.His65Tyr). This variant is not present in population databases (gnomAD no frequency). This variant has not been reported in the literature in individuals affected with SCN4B-related conditions. An algorithm developed to predict the effect of missense changes on protein structure and function outputs the following: PolyPhen-2: "Benign". The tyrosine amino acid residue is found in multiple mammalian species, which suggests that this missense change does not adversely affect protein function. In summary, the available evidence is currently insufficient to determine the role of this variant in disease. Therefore, it has been classified as a Variant of Uncertain Significance.